The following is an entry in ClinVar:

NM_022725.4(FANCF):c.889A>G (p.Thr297Ala)

Genes: FANCF (FA complementation group F; minus strand), LOC130005444 (ATAC-STARR-seq lymphoblastoid active region 4534; plus strand). Cytogenetic location: 11p14.3.
Variant type: single nucleotide variant.
Coding change: c.889A>G on transcript NM_022725.4 (MANE Select); coding-DNA position 889, A replaced by G.
Protein change: p.Thr297Ala; replaces threonine 297 with alanine.
Molecular consequence: missense variant.
Genome position (GRCh38, 1-based): chr11:22,624,922, T>C on the plus strand (A>G on the coding strand, the complement: FANCF is on the minus strand). VCF-style: chr11-22624922-T-C. GRCh37 (hg19) VCF-style: chr11-22646468-T-C.
Other names: short protein forms T297A.
Identifiers: ClinVar variation 408150 (VCV000408150.10), dbSNP rs1060501872, ClinGen allele CA16613504.

ClinVar aggregate classification (germline): Uncertain significance (1 of 4 stars; one submission).

Conditions:
Fanconi anemia (FA). Also called: Fanconi's anemia. Identifiers: Orphanet 84, MedGen C0015625, MeSH D005199, MONDO:0019391.

Allele frequency attached by ClinVar (database versions not stated): gnomAD exomes 0.00001.
gnomAD v4.1: 3 of 1,614,116 alleles (0.00019%); highest among the groups gnomAD compares: Non-Finnish European, 0.00025%; no homozygotes.

Submission:

Labcorp Genetics (formerly Invitae), Labcorp
Classification: Uncertain significance for Fanconi anemia. Last evaluated: 2020-12-09. Review status: criteria provided, single submitter. Criteria: Invitae Variant Classification Sherloc (09022015). Collection method: clinical testing. Allele origin: germline.
Comment: In summary, this variant is a novel missense change that is not predicted to affect protein function. There is no indication that it causes disease, but the available evidence is currently insufficient to prove that conclusively. Therefore, it has been classified as a Variant of Uncertain Significance. Algorithms developed to predict the effect of missense changes on protein structure and function (SIFT, PolyPhen-2, Align-GVGD) all suggest that this variant is likely to be tolerated, but these predictions have not been confirmed by published functional studies. This variant is not present in population databases (ExAC no frequency) and has not been reported in the literature in individuals with a FANCF-related disease. This sequence change replaces threonine with alanine at codon 297 of the FANCF protein (p.Thr297Ala). The threonine residue is moderately conserved and there is a small physicochemical difference between threonine and alanine.